The following is an entry in ClinVar:

NM_030665.4(RAI1):c.4076C>T (p.Pro1359Leu)

Gene: RAI1 (retinoic acid induced 1; plus strand). Cytogenetic location: 17p11.2.
Variant type: single nucleotide variant.
Coding change: c.4076C>T on transcript NM_030665.4 (MANE Select); coding-DNA position 4076, C replaced by T.
Protein change: p.Pro1359Leu; replaces proline 1359 with leucine.
Molecular consequence: missense variant.
Genome position (GRCh38, 1-based): chr17:17,797,024, C>T. VCF-style: chr17-17797024-C-T. GRCh37 (hg19) VCF-style: chr17-17700338-C-T.
Other names: short protein forms P1359L.
Identifiers: ClinVar variation 1718854 (VCV001718854.5), dbSNP rs2543617189, ClinGen allele CA398555671.

ClinVar aggregate classification (germline): Uncertain significance (1 of 4 stars; one submission).

Allele frequency attached by ClinVar (database versions not stated): gnomAD exomes below 0.00001.
gnomAD v4.1: 1 of 1,613,896 alleles (0.000062%); highest among the groups gnomAD compares: Non-Finnish European, 0.000085%; no homozygotes.

Submission:

Labcorp Genetics (formerly Invitae), Labcorp
Classification: Uncertain significance. Last evaluated: 2022-10-19. Review status: criteria provided, single submitter. Criteria: Invitae Variant Classification Sherloc (09022015). Collection method: clinical testing. Allele origin: germline.
Comment: In summary, the available evidence is currently insufficient to determine the role of this variant in disease. Therefore, it has been classified as a Variant of Uncertain Significance. Advanced modeling of protein sequence and biophysical properties (such as structural, functional, and spatial information, amino acid conservation, physicochemical variation, residue mobility, and thermodynamic stability) performed at Invitae indicates that this missense variant is not expected to disrupt RAI1 protein function. This variant has not been reported in the literature in individuals affected with RAI1-related conditions. This variant is not present in population databases (gnomAD no frequency). This sequence change replaces proline, which is neutral and non-polar, with leucine, which is neutral and non-polar, at codon 1359 of the RAI1 protein (p.Pro1359Leu).